The following is an entry in ClinVar:

ClinVar aggregate classification (germline): Pathogenic (1 of 4 stars; one submission).

Conditions:
Combined immunodeficiency due to ZAP70 deficiency (IMD48). Also called: Immunodeficiency 48; ZAP70 Deficiency. Identifiers: Orphanet 911, MedGen C2931299, MONDO:0010023, OMIM 269840.

Submission:

Labcorp Genetics (formerly Invitae), Labcorp
Classification: Pathogenic for Combined immunodeficiency due to ZAP70 deficiency. Last evaluated: 2025-09-08. Review status: criteria provided, single submitter. Criteria: Invitae Variant Classification Sherloc (09022015). Collection method: clinical testing. Allele origin: germline.
Comment: This sequence change creates a premature translational stop signal (p.Ile511Metfs*65) in the ZAP70 gene. While this is not anticipated to result in nonsense mediated decay, it is expected to disrupt the last 109 amino acid(s) of the ZAP70 protein. This variant is present in population databases (rs770985198, gnomAD 0.0009%). This variant has not been reported in the literature in individuals affected with ZAP70-related conditions. ClinVar contains an entry for this variant (Variation ID: 659957). This variant disrupts a region of the ZAP70 protein in which other variant(s) (p.Cys564Arg) have been determined to be pathogenic (PMID: 18509675). This suggests that this is a clinically significant region of the protein, and that variants that disrupt it are likely to be disease-causing. For these reasons, this variant has been classified as Pathogenic.

Literature cited by the submitters: PubMed 18509675.

NM_001079.4(ZAP70):c.1529_1532dup (p.Ile511fs)

Gene: ZAP70 (zeta chain of T cell receptor associated protein kinase 70; plus strand). Cytogenetic location: 2q11.2.
Variant type: Duplication.
Coding change: c.1529_1532dup on transcript NM_001079.4 (MANE Select); coding-DNA positions 1529 to 1532, 4 bases duplicated (GCAT; older notation c.1529_1532dupGCAT).
Protein change: p.Ile511fs; shifts the reading frame from isoleucine 511.
Molecular consequence: frameshift variant.
Genome position (GRCh38, 1-based): chr2:97,737,803-97,737,806, GCAT duplicated; duplicating any 4 consecutive bases within chr2:97,737,801-97,737,806 gives the same sequence; the c. name uses the placement nearest the transcript's 3' end. VCF-style (leftmost placement, unchanged base first): chr2-97737800-A-AATGC. GRCh37 (hg19) VCF-style: chr2-98354263-A-AATGC.
Other names: c.1529_1532dupGCAT (NM_001079.3); c.1529_1532dup, p.Ile511fs (NM_001378594.1); c.608_611dup, p.Ile204fs (NM_207519.2); short protein forms I511fs, I204fs.
Identifiers: ClinVar variation 659957 (VCV000659957.9), dbSNP rs770985198, ClinGen allele CA1790494.
Genomic context (GRCh38, chr2:97,737,800, plus strand): 5'-CATCTCCCCCTCCCCAGGCCCGCTCAGCAGGGAAGTGGCCGCTCAAGTGGTACGCACCCG[A>AATGC]ATGCATCAACTTCCGCAAGTTCTCCAGCCGCAGCGATGTCTGGAGCTATGGGGTCACCAT-3'